The following is an entry in ClinVar:

NM_183050.4(BCKDHB):c.352A>T (p.Arg118Ter)

Gene: BCKDHB (branched chain keto acid dehydrogenase E1 subunit beta; plus strand). Cytogenetic location: 6q14.1.
Variant type: single nucleotide variant.
Coding change: c.352A>T on transcript NM_183050.4 (MANE Select); coding-DNA position 352, A replaced by T.
Protein change: p.Arg118Ter; replaces arginine 118 with a stop codon.
Molecular consequence: nonsense. On other transcripts: non-coding transcript variant (1).
Genome position (GRCh38, 1-based): chr6:80,167,686, A>T. VCF-style: chr6-80167686-A-T. GRCh37 (hg19) VCF-style: chr6-80877403-A-T.
Other names: c.352A>T, p.Arg118Ter (NM_000056.5); c.142A>T, p.Arg48Ter (NM_001318975.1); short protein forms R118*, R48*.
Identifiers: ClinVar variation 983565 (VCV000983565.3), dbSNP rs1772645594, ClinGen allele CA364660363.
Genomic context (GRCh38, chr6:80,167,686, plus strand): 5'-ATGACATTACTCTCATTTGCCACATTAACCTTTTTTTCTTTTCTATTTTAAGGAAAAGAT[A>T]GAGTTTTTAATACCCCATTGTGTGAACAAGGAATTGTTGGATTTGGAATCGGAATTGCGG-3'

ClinVar aggregate classification (germline): Likely pathogenic (1 of 4 stars; one submission).

Conditions:
Maple syrup urine disease (MSUD). Identifiers: Orphanet 511, MedGen C0024776, MeSH D008375, MONDO:0009563. Disease mechanism: loss of function.

Submission:

Myriad Genetics, Inc.
Classification: Likely pathogenic for Maple syrup urine disease type 1A. Last evaluated: 2020-01-23. Review status: criteria provided, single submitter. Criteria: Myriad Women's Health Autosomal Recessive and X-Linked Classification Criteria (2019). Collection method: clinical testing. Allele origin: unknown.
Comment: NM_183050.2(BCKDHB):c.352A>T(R118*) is expected to be pathogenic in the context of maple syrup urine disease type Ib. This variant is predicted to lead to an abnormal or absent protein product due to the creation of a premature termination codon in BCKDHB, a gene where loss-of-function variants are known to be pathogenic. Please note: this variant was assessed in the context of healthy population screening.